The following is an entry in ClinVar:

NM_174936.4(PCSK9):c.1359G>A (p.Trp453Ter)

Gene: PCSK9 (proprotein convertase subtilisin/kexin type 9; plus strand). Cytogenetic location: 1p32.3.
Variant type: single nucleotide variant.
Coding change: c.1359G>A on transcript NM_174936.4 (MANE Select); coding-DNA position 1359, G replaced by A.
Protein change: p.Trp453Ter; replaces tryptophan 453 with a stop codon.
Molecular consequence: nonsense. On other transcripts: non-coding transcript variant (8), intron variant (1).
Genome position (GRCh38, 1-based): chr1:55,058,503, G>A. VCF-style: chr1-55058503-G-A. GRCh37 (hg19) VCF-style: chr1-55524176-G-A.
Other names: c.1482G>A, p.Trp494Ter (NM_001407240.1); c.1359G>A, p.Trp453Ter (NM_001407241.1); c.1362G>A, p.Trp454Ter (NM_001407242.1); c.1302G>A, p.Trp434Ter (NM_001407243.1); c.1185G>A, p.Trp395Ter (NM_001407244.1); c.1167G>A, p.Trp389Ter (NM_001407245.1); c.984G>A, p.Trp328Ter (NM_001407246.1); c.1180+989G>A (NM_001407247.1); short protein forms W328*, W389*, W395*, W434*, W453*, W454*, W494*.
Identifiers: ClinVar variation 3072071 (VCV003072071.2), dbSNP rs2523262734, ClinGen allele CA340478477.
Genomic context (GRCh38, chr1:55,058,503, plus strand): 5'-CTGTGGAGGTCCCCTCACTCCCAGCACCCCCTCCTCATCCCAGGCCCTTTTTGCAGGTTG[G>A]CAGCTGTTTTGCAGGACTGTATGGTCAGCACACTCGGGGCCTACACGGATGGCCACAGCC-3'

ClinVar aggregate classification (germline): Likely benign. Review status: criteria provided, multiple submitters, no conflicts (2 of 4 stars). 2 submissions from 2 submitters: Likely benign (2). Last evaluated 2023-06-26.

Conditions:
Familial hypercholesterolemia. Also called: Familial hypercholesterolemias; Familial hypercholesterolaemia. Identifiers: MedGen C0020445, MONDO:0005439.
Hypercholesterolemia, autosomal dominant, 3 (FHCL3). Also called: Familial Hypercholesterolemia, Autosomal Dominant, 3; PCSK9-Related Familial Hypercholesterolemia, Autosomal Dominant; Familial hypercholesterolemia 3. Identifiers: MedGen C1863551, MONDO:0011369, OMIM 603776.

gnomAD v4.1: 1 of 1,612,162 alleles (0.000062%); highest among the groups gnomAD compares: Non-Finnish European, 0.000085%; no homozygotes.

Submissions (2):

All of Us Research Program, National Institutes of Health
Classification: Likely benign for Hypercholesterolemia, autosomal dominant, 3. Last evaluated: 2023-06-26. Review status: criteria provided, single submitter. Criteria: ACMG Guidelines, 2015. Collection method: clinical testing. Allele origin: germline. Inheritance: Autosomal dominant inheritance. Observed: 1 variant allele, 1 heterozygote.
Comment: This study involves interpretation of variants in research participants for the purpose of population health screening. Participant phenotype was not available at the time of variant classification. Additional details can be found in publication PMID: 35346344, PMCID: PMC8962531

Color Diagnostics, LLC DBA Color Health
Classification: Likely benign for Familial hypercholesterolemia. Last evaluated: 2023-06-07. Review status: criteria provided, single submitter. Criteria: ACMG Guidelines, 2015. Collection method: clinical testing. Allele origin: germline.